The following is an entry in ClinVar:

ClinVar aggregate classification (germline): Uncertain significance. Review status: criteria provided, multiple submitters, no conflicts (2 of 4 stars). 2 submissions from 2 submitters: Uncertain significance (2). Last evaluated 2022-05-04.

Conditions:
Hereditary nonpolyposis colorectal neoplasms. Identifiers: MedGen C0009405, MeSH D003123.
Hereditary cancer-predisposing syndrome. Also called: Hereditary Cancer Syndrome; Tumor predisposition; Hereditary neoplastic syndrome; Neoplastic Syndromes, Hereditary. Identifiers: Orphanet 140162, MedGen C0027672, MeSH D009386, MONDO:0015356.

Submissions (2):

Ambry Genetics
Classification: Uncertain significance for Hereditary cancer-predisposing syndrome. Last evaluated: 2022-05-04. Review status: criteria provided, single submitter. Criteria: Ambry Variant Classification Scheme 2023. Collection method: clinical testing. Allele origin: germline.
Comment: The p.S793G variant (also known as c.2377A>G), located in coding exon 14 of the PMS2 gene, results from an A to G substitution at nucleotide position 2377. The serine at codon 793 is replaced by glycine, an amino acid with similar properties. This amino acid position is conserved. In addition, this alteration is predicted to be tolerated by in silico analysis. Since supporting evidence is limited at this time, the clinical significance of this alteration remains unclear.

Labcorp Genetics (formerly Invitae), Labcorp
Classification: Uncertain significance for Hereditary nonpolyposis colorectal neoplasms. Last evaluated: 2020-07-01. Review status: criteria provided, single submitter. Criteria: Invitae Variant Classification Sherloc (09022015). Collection method: clinical testing. Allele origin: germline.
Comment: The frequency data for this variant in the population databases (ExAC) is considered unreliable due to the presence of homologous sequence, such as pseudogenes or paralogs, in the genome. This sequence change replaces serine with glycine at codon 793 of the PMS2 protein (p.Ser793Gly). The serine residue is weakly conserved and there is a small physicochemical difference between serine and glycine. This variant has not been reported in the literature in individuals with PMS2-related conditions. Algorithms developed to predict the effect of missense changes on protein structure and function (SIFT, PolyPhen-2, Align-GVGD) all suggest that this variant is likely to be tolerated, but these predictions have not been confirmed by published functional studies and their clinical significance is uncertain. In summary, the available evidence is currently insufficient to determine the role of this variant in disease. Therefore, it has been classified as a Variant of Uncertain Significance.

NM_000535.7(PMS2):c.2377A>G (p.Ser793Gly)

Gene: PMS2 (PMS1 homolog 2, mismatch repair system component; minus strand). Cytogenetic location: 7p22.1.
Variant type: single nucleotide variant.
Coding change: c.2377A>G on transcript NM_000535.7 (MANE Select); coding-DNA position 2377, A replaced by G.
Protein change: p.Ser793Gly; replaces serine 793 with glycine.
Molecular consequence: missense variant. On other transcripts: non-coding transcript variant (1).
Genome position (GRCh38, 1-based): chr7:5,977,656, T>C on the plus strand (A>G on the coding strand, the complement: PMS2 is on the minus strand). VCF-style: chr7-5977656-T-C. GRCh37 (hg19) VCF-style: chr7-6017287-T-C.
Other names: c.1972A>G, p.Ser658Gly (NM_001322003.2, NM_001322004.2, NM_001322005.2); c.2221A>G, p.Ser741Gly (NM_001322006.2); c.2059A>G, p.Ser687Gly (NM_001322007.2, NM_001322008.2); c.2005A>G, p.Ser669Gly (NM_001322009.2); c.1816A>G, p.Ser606Gly (NM_001322010.2); c.1444A>G, p.Ser482Gly (NM_001322011.2, NM_001322012.2); c.1804A>G, p.Ser602Gly (NM_001322013.2); c.2410A>G, p.Ser804Gly (NM_001322014.2); and 1 more; short protein forms S482G, S669G, S741G, S658G, S690G, S793G, S804G, S602G.
Identifiers: ClinVar variation 1043418 (VCV001043418.11), dbSNP rs1781833468, ClinGen allele CA366735767.